The following is an entry in ClinVar:

NM_004168.4(SDHA):c.780G>A (p.Gly260=)

Gene: SDHA (succinate dehydrogenase complex flavoprotein subunit A; plus strand). Cytogenetic location: 5p15.33.
Variant type: single nucleotide variant.
Coding change: c.780G>A on transcript NM_004168.4 (MANE Select); coding-DNA position 780, G replaced by A.
Protein change: p.Gly260=; no amino-acid change (glycine 260 retained).
Molecular consequence: synonymous variant.
Genome position (GRCh38, 1-based): chr5:230,885, G>A. VCF-style: chr5-230885-G-A. GRCh37 (hg19) VCF-style: chr5-231000-G-A.
Other names: c.780G>A (NM_004168.2); c.636G>A, p.Gly212= (NM_001294332.2); c.780G>A, p.Gly260= (NM_001330758.2).
Identifiers: ClinVar variation 2944117 (VCV002944117.4), dbSNP rs2477331881, ClinGen allele CA442691462.

ClinVar aggregate classification (germline): Conflicting classifications of pathogenicity. Review status: criteria provided, conflicting classifications (1 of 4 stars). 2 submissions from 2 submitters: Uncertain significance (1); Likely benign (1). Last evaluated 2025-07-21.

Conditions:
Mitochondrial complex II deficiency, nuclear type 1. Also called: SUCCINATE CoQ REDUCTASE DEFICIENCY. Identifiers: Orphanet 3208, MedGen C5700310, MONDO:0100294, OMIM 252011.
Pheochromocytoma/paraganglioma syndrome 5. Also called: Paragangliomas 5; SDHA-Related Hereditary Paraganglioma-Pheochromocytoma Syndrome. Identifiers: Orphanet 29072, MedGen C3279992, MONDO:0013602, OMIM 614165.
Hereditary cancer-predisposing syndrome. Also called: Neoplastic Syndromes, Hereditary; Tumor predisposition; Hereditary Cancer Syndrome; Hereditary neoplastic syndrome. Identifiers: Orphanet 140162, MedGen C0027672, MeSH D009386, MONDO:0015356.

Submissions (2):

Ambry Genetics
Classification: Uncertain significance for Hereditary cancer-predisposing syndrome. Last evaluated: 2025-07-21. Review status: criteria provided, single submitter. Criteria: Ambry Variant Classification Scheme 2023. Collection method: clinical testing. Allele origin: germline.
Comment: The c.780G>A variant (also known as p.G260G), located in coding exon 7 of the SDHA gene, results from a G to A substitution at nucleotide position 780. This nucleotide substitution does not change the glycine at codon 260. This nucleotide position is not well conserved in available vertebrate species. In silico splice site analysis predicts that this alteration may result in the creation or strengthening of a novel splice acceptor site. Based on the available evidence, the clinical significance of this variant remains unclear.

Labcorp Genetics (formerly Invitae), Labcorp
Classification: Likely benign for Pheochromocytoma/paraganglioma syndrome 5; Mitochondrial complex II deficiency, nuclear type 1. Last evaluated: 2023-02-16. Review status: criteria provided, single submitter. Criteria: Invitae Variant Classification Sherloc (09022015). Collection method: clinical testing. Allele origin: germline.